The following is an entry in ClinVar:

NM_004380.3(CREBBP):c.6813T>G (p.Leu2271=)

Gene: CREBBP (CREB binding lysine acetyltransferase; minus strand). Cytogenetic location: 16p13.3.
Variant type: single nucleotide variant.
Coding change: c.6813T>G on transcript NM_004380.3 (MANE Select); coding-DNA position 6813, T replaced by G.
Protein change: p.Leu2271=; no amino-acid change (leucine 2271 retained).
Molecular consequence: synonymous variant.
Genome position (GRCh38, 1-based): chr16:3,728,234, A>C on the plus strand (T>G on the coding strand, the complement: CREBBP is on the minus strand). VCF-style: chr16-3728234-A-C. GRCh37 (hg19) VCF-style: chr16-3778235-A-C.
Other names: c.6699T>G, p.Leu2233= (NM_001079846.1).
Identifiers: ClinVar variation 4978803 (VCV004978803.1).
Genomic context (GRCh38, chr16:3,728,234, plus strand): 5'-CAGGGCTTGCTGGATGTTGGGGGTGCTGTCTGCCCCCAGCCCCGGCTGCCCCATCTGGCC[A>C]AGCTGTCCCATCTGAGCCGCCATCTGGCCCATGGAGCTGCCCTGGAGGGGGAGATGCTGC-3'
Protein context (NP_004371.2, residues 2261-2281): MGQMAAQMGQ[Leu2271=]GQMGQPGLGA

ClinVar aggregate classification (germline): Likely benign (1 of 4 stars; one submission).

Conditions:
CREBBP-related disorder. Also called: CREBBP-related disorders; CREBBP-related condition.

gnomAD v4.1: 1 of 1,613,222 alleles (0.000062%); highest among the groups gnomAD compares: Non-Finnish European, 0.000085%; no homozygotes.

Submission:

PreventionGenetics, part of Exact Sciences
Classification: Likely benign for CREBBP-related condition. Last evaluated: 2025-09-03. Review status: criteria provided, single submitter. Criteria: ACMG Guidelines, 2015. Collection method: clinical testing. Allele origin: germline.
Comment: This variant is classified as likely benign based on ACMG/AMP sequence variant interpretation guidelines (Richards et al. 2015 PMID: 25741868, with internal and published modifications).